The following is an entry in ClinVar:

ClinVar aggregate classification (germline): Likely benign. Review status: criteria provided, multiple submitters, no conflicts (2 of 4 stars). 3 submissions from 3 submitters: Likely benign (2). 1 of the submissions does not count toward it. Last evaluated 2024-11-19.

Conditions:
Primary ciliary dyskinesia. Also called: Ciliary dyskinesia. Identifiers: Orphanet 244, MedGen C0008780, MONDO:0016575, HP:0012265.
DNAH11-related disorder. Also called: DNAH11-related condition.

Allele frequency attached by ClinVar (database versions not stated): ESP Exome Variant Server 0.00008; gnomAD exomes 0.00008; ExAC 0.00010; 1000 Genomes Project 30x 0.00016; 1000 Genomes Project 0.00020; gnomAD 0.00021 and 0.00023; TOPMed 0.00026.
gnomAD v4.1: 60 of 1,588,830 alleles (0.0038%); highest among the groups gnomAD compares: African/African-American, 0.078%; no homozygotes.

Submissions (3):

Labcorp Genetics (formerly Invitae), Labcorp
Classification: Likely benign for Primary ciliary dyskinesia. Last evaluated: 2024-11-19. Review status: criteria provided, single submitter. Criteria: Invitae Variant Classification Sherloc (09022015). Collection method: clinical testing. Allele origin: germline.

CeGaT Center for Human Genetics Tuebingen
Classification: Likely benign. Last evaluated: 2023-09-01. Review status: criteria provided, single submitter. Criteria: CeGaT Center For Human Genetics Tuebingen Variant Classification Criteria Version 2. Collection method: clinical testing. Allele origin: germline. Affected: yes. Observed: 1 variant allele.
Comment: DNAH11: BP4

PreventionGenetics, part of Exact Sciences
Classification: Likely benign for DNAH11-related condition. Last evaluated: 2023-08-03. Review status: no assertion criteria provided. Collection method: clinical testing. Allele origin: germline. Not counted in ClinVar's aggregate classification.
Comment: This variant is classified as likely benign based on ACMG/AMP sequence variant interpretation guidelines (Richards et al. 2015 PMID: 25741868, with internal and published modifications).

NM_001277115.2(DNAH11):c.7365C>T (p.Asp2455=)

Gene: DNAH11 (dynein axonemal heavy chain 11; plus strand). Cytogenetic location: 7p15.3.
Variant type: single nucleotide variant.
Coding change: c.7365C>T on transcript NM_001277115.2 (MANE Select); coding-DNA position 7365, C replaced by T.
Protein change: p.Asp2455=; no amino-acid change (aspartic acid 2455 retained).
Molecular consequence: synonymous variant.
Genome position (GRCh38, 1-based): chr7:21,725,909, C>T. VCF-style: chr7-21725909-C-T. GRCh37 (hg19) VCF-style: chr7-21765527-C-T.
Other names: c.7365C>T (NM_001277115.1).
Identifiers: ClinVar variation 1120274 (VCV001120274.35), dbSNP rs183855253, ClinGen allele CA4181204.